The following is an entry in ClinVar:

NM_033109.5(PNPT1):c.466C>G (p.Leu156Val)

Gene: PNPT1 (polyribonucleotide nucleotidyltransferase 1; minus strand). Cytogenetic location: 2p16.1.
Variant type: single nucleotide variant.
Coding change: c.466C>G on transcript NM_033109.5 (MANE Select); coding-DNA position 466, C replaced by G.
Protein change: p.Leu156Val; replaces leucine 156 with valine.
Molecular consequence: missense variant.
Genome position (GRCh38, 1-based): chr2:55,680,906, G>C on the plus strand (C>G on the coding strand, the complement: PNPT1 is on the minus strand). VCF-style: chr2-55680906-G-C. GRCh37 (hg19) VCF-style: chr2-55908041-G-C.
Other names: c.466C>G (NM_033109.4, NM_033109.3); short protein forms L156V.
Identifiers: ClinVar variation 1423999 (VCV001423999.8), dbSNP rs779832293, ClinGen allele CA1668456.

ClinVar aggregate classification (germline): Uncertain significance. Review status: criteria provided, multiple submitters, no conflicts (2 of 4 stars). 4 submissions from 4 submitters: Uncertain significance (4). Last evaluated 2025-06-18.

Conditions:
Inborn genetic diseases. Identifiers: MedGen C0950123, MeSH D030342.

Allele frequency attached by ClinVar (database versions not stated): ExAC 0.00001; gnomAD 0.00002; gnomAD exomes 0.00002 and 0.00001; TOPMed 0.00002.
gnomAD v4.1: 11 of 1,613,682 alleles (0.00068%); highest among the groups gnomAD compares: Admixed American, 0.01%; no homozygotes.

Submissions (4):

Dasa
Classification: Uncertain significance. Last evaluated: 2025-06-18. Review status: criteria provided, single submitter. Criteria: DASA Assertion Criteria. Collection method: clinical testing. Allele origin: germline.
Comment: NM_033109.5(PNPT1):c.466C>G (p.Leu156Val) is a missense variant that results in the substitution of leucine with valine. This variant is rare in population databases. Computational prediction algorithms are consistent with a benign effect. The currently available literature and clinical evidence are not sufficient to establish a definitive association between this variant and the reported condition. Therefore, this variant is classified as a variant of uncertain significance.

Labcorp Genetics (formerly Invitae), Labcorp
Classification: Uncertain significance. Last evaluated: 2023-12-06. Review status: criteria provided, single submitter. Criteria: Invitae Variant Classification Sherloc (09022015). Collection method: clinical testing. Allele origin: germline.
Comment: This sequence change replaces leucine, which is neutral and non-polar, with valine, which is neutral and non-polar, at codon 156 of the PNPT1 protein (p.Leu156Val). This variant is present in population databases (rs779832293, gnomAD 0.01%). This variant has not been reported in the literature in individuals affected with PNPT1-related conditions. ClinVar contains an entry for this variant (Variation ID: 1423999). Advanced modeling of protein sequence and biophysical properties (such as structural, functional, and spatial information, amino acid conservation, physicochemical variation, residue mobility, and thermodynamic stability) performed at Invitae indicates that this missense variant is not expected to disrupt PNPT1 protein function with a negative predictive value of 80%. In summary, the available evidence is currently insufficient to determine the role of this variant in disease. Therefore, it has been classified as a Variant of Uncertain Significance.

Ambry Genetics
Classification: Uncertain significance for Inborn genetic diseases. Last evaluated: 2023-07-12. Review status: criteria provided, single submitter. Criteria: Ambry Variant Classification Scheme 2023. Collection method: clinical testing. Allele origin: germline.

GeneDx
Classification: Uncertain significance. Last evaluated: 2022-07-09. Review status: criteria provided, single submitter. Criteria: GeneDx Variant Classification Process June 2021. Collection method: clinical testing. Allele origin: germline. Affected: yes.
Comment: Not observed at significant frequency in large population cohorts (gnomAD); In silico analysis supports that this missense variant does not alter protein structure/function; Has not been previously published as pathogenic or benign to our knowledge